The following is an entry in ClinVar:

NM_000789.4(ACE):c.2288G>A (p.Cys763Tyr)

Gene: ACE (angiotensin I converting enzyme; plus strand). Cytogenetic location: 17q23.3.
Variant type: single nucleotide variant.
Coding change: c.2288G>A on transcript NM_000789.4 (MANE Select); coding-DNA position 2288, G replaced by A.
Protein change: p.Cys763Tyr; replaces cysteine 763 with tyrosine.
Molecular consequence: missense variant. On other transcripts: non-coding transcript variant (1).
Genome position (GRCh38, 1-based): chr17:63,487,056, G>A. VCF-style: chr17-63487056-G-A. GRCh37 (hg19) VCF-style: chr17-61564417-G-A.
Other names: c.566G>A, p.Cys189Tyr (NM_001178057.2, NM_152830.3); c.1721G>A, p.Cys574Tyr (NM_001382700.1); c.1436G>A, p.Cys479Tyr (NM_001382701.1); c.218G>A, p.Cys73Tyr (NM_001382702.1); short protein forms C189Y, C479Y, C73Y, C763Y, C574Y.
Identifiers: ClinVar variation 2190736 (VCV002190736.5), dbSNP rs370481039, ClinGen allele CA8699995.

ClinVar aggregate classification (germline): Uncertain significance. Review status: criteria provided, multiple submitters, no conflicts (2 of 4 stars). 2 submissions from 2 submitters: Uncertain significance (2). Last evaluated 2024-06-03.

Conditions:
Microvascular complications of diabetes, susceptibility to, 3. Identifiers: MedGen C2675470, MONDO:0012963, OMIM 612624.
Renal tubular dysgenesis of genetic origin. Also called: PRIMITIVE RENAL TUBULE SYNDROME. Identifiers: Orphanet 97369, MedGen C5681536, MONDO:0009970, OMIM 267430.
Hemorrhage, intracerebral, susceptibility to (ICH). Also called: Stroke, hemorrhagic, susceptibility to. Identifiers: MedGen C3281105, MONDO:0100533, OMIM 614519.

Allele frequency attached by ClinVar (database versions not stated): ExAC 0.00004; TOPMed 0.00004; gnomAD 0.00005; ESP Exome Variant Server 0.00008.
gnomAD v4.1: 41 of 1,613,412 alleles (0.0025%); highest among the groups gnomAD compares: Middle Eastern, 0.049%; no homozygotes.

Submissions (2):

Fulgent Genetics
Classification: Uncertain significance for Renal tubular dysgenesis of genetic origin; Microvascular complications of diabetes, susceptibility to, 3; Hemorrhage, intracerebral, susceptibility to. Last evaluated: 2024-06-03. Review status: criteria provided, single submitter. Criteria: ACMG Guidelines, 2015. Collection method: clinical testing. Allele origin: germline.

Labcorp Genetics (formerly Invitae), Labcorp
Classification: Uncertain significance. Last evaluated: 2022-08-13. Review status: criteria provided, single submitter. Criteria: Invitae Variant Classification Sherloc (09022015). Collection method: clinical testing. Allele origin: germline.
Comment: This variant is present in population databases (rs370481039, gnomAD 0.01%). This variant has not been reported in the literature in individuals affected with ACE-related conditions. Algorithms developed to predict the effect of missense changes on protein structure and function (SIFT, PolyPhen-2, Align-GVGD) all suggest that this variant is likely to be disruptive. In summary, the available evidence is currently insufficient to determine the role of this variant in disease. Therefore, it has been classified as a Variant of Uncertain Significance. This sequence change replaces cysteine, which is neutral and slightly polar, with tyrosine, which is neutral and polar, at codon 763 of the ACE protein (p.Cys763Tyr).